The following is an entry in ClinVar:

NM_001429.4(EP300):c.2130T>G (p.Ser710=)

Gene: EP300 (E1A binding protein p300; plus strand). Cytogenetic location: 22q13.2.
Variant type: single nucleotide variant.
Coding change: c.2130T>G on transcript NM_001429.4 (MANE Select); coding-DNA position 2130, T replaced by G.
Protein change: p.Ser710=; no amino-acid change (serine 710 retained).
Molecular consequence: synonymous variant. On other transcripts: intron variant (1).
Genome position (GRCh38, 1-based): chr22:41,146,815, T>G. VCF-style: chr22-41146815-T-G. GRCh37 (hg19) VCF-style: chr22-41542819-T-G.
Other names: c.2054-1022T>G (NM_001362843.2).
Identifiers: ClinVar variation 3345344 (VCV003345344.1).

ClinVar aggregate classification (germline): Likely benign (0 of 4 stars; one submission).

Conditions:
EP300-related disorder. Also called: EP300-related condition; EP300-related disorders.

gnomAD v4.1: 1 of 1,613,910 alleles (0.000062%); highest among the groups gnomAD compares: African/African-American, 0.0013%; no homozygotes.

Submission:

PreventionGenetics, part of Exact Sciences
Classification: Likely benign for EP300-related condition. Last evaluated: 2024-04-23. Review status: no assertion criteria provided. Collection method: clinical testing. Allele origin: germline.
Comment: This variant is classified as likely benign based on ACMG/AMP sequence variant interpretation guidelines (Richards et al. 2015 PMID: 25741868, with internal and published modifications).